The following is an entry in ClinVar:

NM_022124.6(CDH23):c.2290-3C>T

Gene: CDH23 (cadherin related 23; plus strand). Cytogenetic location: 10q22.1.
Variant type: single nucleotide variant.
Coding change: c.2290-3C>T on transcript NM_022124.6 (MANE Select); 3 bases into the intron before coding-DNA position 2290, C replaced by T.
Molecular consequence: intron variant.
Genome position (GRCh38, 1-based): chr10:71,695,415, C>T. VCF-style: chr10-71695415-C-T. GRCh37 (hg19) VCF-style: chr10-73455172-C-T.
Other names: c.2290-3C>T (NM_001171930.2, NM_001171931.2).
Identifiers: ClinVar variation 879160 (VCV000879160.9), dbSNP rs182365129, ClinGen allele CA5544175.
Genomic context (GRCh38, chr10:71,695,415, plus strand): 5'-GCAGGCCCTGCCCTGGCCCATCTCAGCTGGGTGTGTCTCCCAGCGCCCCTTATGGCTTCA[C>T]AGGTAAACATCACCCTCCTGGACATCAATGACAACCACCCCACGTGGAAGGACGCACCCT-3'

ClinVar aggregate classification (germline): Uncertain significance. Review status: criteria provided, multiple submitters, no conflicts (2 of 4 stars). 5 submissions from 4 submitters: Uncertain significance (4). 1 of the submissions does not count toward it. Last evaluated 2022-07-26.

Conditions:
Usher syndrome type 1 (USH1). Also called: RETINITIS PIGMENTOSA AND CONGENITAL DEAFNESS. Identifiers: Orphanet 231169, Orphanet 886, MedGen C1568247, MONDO:0010168, OMIM 276900.
Autosomal recessive nonsyndromic hearing loss 12. Also called: DEAFNESS, AUTOSOMAL RECESSIVE 12. Identifiers: Orphanet 90636, MedGen C1832394, MONDO:0011067, OMIM 601386.
Usher syndrome type 1D (USH1D). Also called: USHER SYNDROME, TYPE ID. Identifiers: Orphanet 231169, Orphanet 886, MedGen C1832845, MONDO:0010984, OMIM 601067.

Allele frequency attached by ClinVar (database versions not stated): ExAC 0.00001; gnomAD exomes 0.00001 and 0.00011; gnomAD 0.00002 and 0.00007; TOPMed 0.00002; 1000 Genomes Project 0.00020; 1000 Genomes Project 30x 0.00031.
gnomAD v4.1: 161 of 1,603,750 alleles (0.01%); highest among the groups gnomAD compares: East Asian, 0.35%; 4 homozygotes.

Submissions (5):

Labcorp Genetics (formerly Invitae), Labcorp
Classification: Uncertain significance. Last evaluated: 2022-07-26. Review status: criteria provided, single submitter. Criteria: Invitae Variant Classification Sherloc (09022015). Collection method: clinical testing. Allele origin: germline.
Comment: This sequence change falls in intron 21 of the CDH23 gene. It does not directly change the encoded amino acid sequence of the CDH23 protein. It affects a nucleotide within the consensus splice site. This variant is present in population databases (rs182365129, gnomAD 0.005%). This variant has not been reported in the literature in individuals affected with CDH23-related conditions. ClinVar contains an entry for this variant (Variation ID: 879160). Variants that disrupt the consensus splice site are a relatively common cause of aberrant splicing (PMID: 17576681, 9536098). Algorithms developed to predict the effect of sequence changes on RNA splicing suggest that this variant is not likely to affect RNA splicing. In summary, the available evidence is currently insufficient to determine the role of this variant in disease. Therefore, it has been classified as a Variant of Uncertain Significance.

GeneDx
Classification: Uncertain significance. Last evaluated: 2021-12-27. Review status: criteria provided, single submitter. Criteria: GeneDx Variant Classification Process June 2021. Collection method: clinical testing. Allele origin: germline. Affected: yes.
Comment: In silico analysis supports that this variant does not alter splicing; Has not been previously published as pathogenic or benign to our knowledge

Illumina Laboratory Services, Illumina
Classification: Uncertain significance for Autosomal recessive nonsyndromic hearing loss 12. Last evaluated: 2018-01-13. Review status: criteria provided, single submitter. Criteria: ICSL Variant Classification Criteria 13 December 2019. Collection method: clinical testing. Allele origin: germline.

Illumina Laboratory Services, Illumina
Classification: Uncertain significance for Usher syndrome type 1D. Last evaluated: 2018-01-13. Review status: criteria provided, single submitter. Criteria: ICSL Variant Classification Criteria 13 December 2019. Collection method: clinical testing. Allele origin: germline.

Natera, Inc.
Classification: Uncertain significance for Usher syndrome type 1. Last evaluated: 2020-05-15. Review status: no assertion criteria provided. Collection method: clinical testing. Allele origin: germline. Not counted in ClinVar's aggregate classification.

Literature cited by the submitters: PubMed 17576681 (cited by Labcorp Genetics (formerly Invitae), Labcorp); PubMed 9536098 (cited by Labcorp Genetics (formerly Invitae), Labcorp).